The following is an entry in ClinVar:

ClinVar aggregate classification (germline): Uncertain significance (1 of 4 stars; one submission).

Conditions:
Pheochromocytoma. Also called: MAX-Related Hereditary Paraganglioma-Pheochromocytoma Syndrome. Identifiers: Orphanet 29072, MedGen C0031511, MONDO:0008233, OMIM 171300, HP:0002666.
Carney-Stratakis syndrome. Also called: PARAGANGLIOMA AND GASTROINTESTINAL STROMAL TUMOR. Identifiers: Orphanet 97286, MedGen C1847319, MONDO:0011740, OMIM 606864.
Cowden syndrome 3 (CWS3). Identifiers: Orphanet 201, MedGen CN166604, MONDO:0014045.
Paragangliomas with sensorineural hearing loss. Identifiers: MedGen C1868633.

Submission:

Labcorp Genetics (formerly Invitae), Labcorp
Classification: Uncertain significance for Carney-Stratakis syndrome; Paragangliomas with sensorineural hearing loss; Pheochromocytoma; Cowden syndrome 3. Last evaluated: 2026-01-06. Review status: criteria provided, single submitter. Criteria: Invitae Variant Classification Sherloc (09022015). Collection method: clinical testing. Allele origin: germline.
Comment: This sequence change replaces arginine, which is basic and polar, with serine, which is neutral and polar, at codon 70 of the SDHD protein (p.Arg70Ser). This variant is not present in population databases (gnomAD no frequency). This missense change has been observed in individual(s) with paraganglioma (PMID: 19258401). Invitae Evidence Modeling of protein sequence and biophysical properties (such as structural, functional, and spatial information, amino acid conservation, physicochemical variation, residue mobility, and thermodynamic stability) indicates that this missense variant is expected to disrupt SDHD protein function with a positive predictive value of 95%. In summary, the available evidence is currently insufficient to determine the role of this variant in disease. Therefore, it has been classified as a Variant of Uncertain Significance.

Literature cited by the submitters: PubMed 19258401.

NM_003002.4(SDHD):c.210G>T (p.Arg70Ser)

Gene: SDHD (succinate dehydrogenase complex subunit D; plus strand). Cytogenetic location: 11q23.1.
Variant type: single nucleotide variant.
Coding change: c.210G>T on transcript NM_003002.4 (MANE Select); coding-DNA position 210, G replaced by T.
Protein change: p.Arg70Ser; replaces arginine 70 with serine.
Molecular consequence: missense variant. On other transcripts: non-coding transcript variant (1), intron variant (1).
Genome position (GRCh38, 1-based): chr11:112,088,907, G>T. VCF-style: chr11-112088907-G-T. GRCh37 (hg19) VCF-style: chr11-111959631-G-T.
Other names: c.93G>T, p.Arg31Ser (NM_001276504.2); c.210G>T, p.Arg70Ser (NM_001276506.2); c.169+934G>T (NM_001276503.2); short protein forms R70S, R31S.
Identifiers: ClinVar variation 4783724 (VCV004783724.1).